The following is an entry in ClinVar:

ClinVar aggregate classification (germline): Pathogenic (1 of 4 stars; one submission).

Submission:

Labcorp Genetics (formerly Invitae), Labcorp
Classification: Pathogenic. Last evaluated: 2019-10-29. Review status: criteria provided, single submitter. Criteria: Invitae Variant Classification Sherloc (09022015). Collection method: clinical testing. Allele origin: germline.
Comment: For these reasons, this variant has been classified as Pathogenic. Loss-of-function variants in PHEX are known to be pathogenic (PMID: 9097956, 9106524, 19219621). This variant has not been reported in the literature in individuals with PHEX-related conditions. This variant is not present in population databases (ExAC no frequency). This sequence change creates a premature translational stop signal (p.Phe185Valfs*27) in the PHEX gene. It is expected to result in an absent or disrupted protein product.

Literature cited by the submitters: PubMed 9097956; PubMed 9106524; PubMed 19219621.

NM_000444.6(PHEX):c.551dup (p.Phe185fs)

Gene: PHEX (phosphate regulating endopeptidase X-linked; plus strand). Cytogenetic location: Xp22.11.
Variant type: Duplication.
Coding change: c.551dup on transcript NM_000444.6 (MANE Select); coding-DNA position 551, one base duplicated (A; older notation c.551dupA).
Protein change: p.Phe185fs; shifts the reading frame from phenylalanine 185.
Molecular consequence: frameshift variant.
Genome position (GRCh38, 1-based): chrX:22,077,590, A duplicated; the last of 3 consecutive A bases (chrX:22,077,588-22,077,590); duplicating any one gives the same sequence. VCF-style (leftmost placement, unchanged base first): chrX-22077587-G-GA. GRCh37 (hg19) VCF-style: chrX-22095705-G-GA.
Other names: c.551dup, p.Phe185fs (NM_001282754.2); short protein forms F185fs.
Identifiers: ClinVar variation 971767 (VCV000971767.7), dbSNP rs1929210900, ClinGen allele CA1139667283.